The following is an entry in ClinVar:

ClinVar aggregate classification (germline): Likely benign. Review status: criteria provided, single submitter (1 of 4 stars). 2 submissions from 1 submitter: Likely benign (2). Last evaluated 2017-04-27.

Conditions:
Orofacial cleft 6, susceptibility to (OFC6). Also called: CLEFT LIP WITH OR WITHOUT CLEFT PALATE, NONSYNDROMIC, 6. Identifiers: MedGen C1837213, MONDO:0012141, OMIM 608864.
Van der Woude syndrome 1. Also called: CLEFT LIP AND/OR PALATE WITH MUCOUS CYSTS OF LOWER LIP; van der Woude Syndrome (VWS). Identifiers: MedGen C4551864, MONDO:0007333, OMIM 119300.

Allele frequency attached by ClinVar (database versions not stated): gnomAD 0.00654 and 0.00703; TOPMed 0.00725; 1000 Genomes Project 0.00839; 1000 Genomes Project 30x 0.00874.

Submissions (2):

Illumina Laboratory Services, Illumina
Classification: Likely benign for Orofacial cleft 6, susceptibility to. Last evaluated: 2017-04-27. Review status: criteria provided, single submitter. Criteria: ICSL Variant Classification Criteria 13 December 2019. Collection method: clinical testing. Allele origin: germline.
Comment: This variant was observed as part of a predisposition screen in an ostensibly healthy population. A literature search was performed for the gene, cDNA change, and amino acid change (where applicable). No publications were found based on this search. Allele frequency data from public databases allowed determination this variant is unlikely to cause disease. Therefore, this variant is classified as likely benign.

Illumina Laboratory Services, Illumina
Classification: Likely benign for Van der Woude syndrome 1. Last evaluated: 2017-04-27. Review status: criteria provided, single submitter. Criteria: ICSL Variant Classification Criteria 13 December 2019. Collection method: clinical testing. Allele origin: germline.
Comment: the same text as in the submission from Illumina Laboratory Services, Illumina above.

NM_006147.4(IRF6):c.*2414G>A

Gene: IRF6 (interferon regulatory factor 6; minus strand). Cytogenetic location: 1q32.2.
Variant type: single nucleotide variant.
Coding change: c.*2414G>A on transcript NM_006147.4 (MANE Select); 2414 bases downstream of the stop codon, G replaced by A.
Molecular consequence: 3 prime UTR variant.
Genome position (GRCh38, 1-based): chr1:209,786,006, C>T on the plus strand (G>A on the coding strand, the complement: IRF6 is on the minus strand). VCF-style: chr1-209786006-C-T. GRCh37 (hg19) VCF-style: chr1-209959351-C-T.
Other names: c.*2414G>A (NM_001206696.2).
Identifiers: ClinVar variation 295171 (VCV000295171.5), dbSNP rs112896538, ClinGen allele CA10609011.
Genomic context (GRCh38, chr1:209,786,006, plus strand): 5'-TCCCAGTTTACCTCCAGTAGGTTCTTTTTAACTTGAACTAATCTTGTTTGGTGGGGTACA[C>T]AGTGAGGAAAAAGAAGAGCTAGTGACAAAATCTAACTCCCTTCTCAGTCTTAAGCAAGGT-3'